The following is an entry in ClinVar:

NM_015459.5(ATL3):c.281A>G (p.Asn94Ser)

Genes: ATL3 (atlastin GTPase 3; minus strand), LNCROPM (lncRNA regulator of PLAAT3 mediated phospholipid metabolism; plus strand). Cytogenetic location: 11q13.1.
Variant type: single nucleotide variant.
Coding change: c.281A>G on transcript NM_015459.5 (MANE Select); coding-DNA position 281, A replaced by G.
Protein change: p.Asn94Ser; replaces asparagine 94 with serine.
Molecular consequence: missense variant.
Genome position (GRCh38, 1-based): chr11:63,658,885, T>C on the plus strand (A>G on the coding strand, the complement: ATL3 is on the minus strand). VCF-style: chr11-63658885-T-C. GRCh37 (hg19) VCF-style: chr11-63426357-T-C.
Other names: c.227A>G, p.Asn76Ser (NM_001290048.2); short protein forms N76S, N94S.
Identifiers: ClinVar variation 1384966 (VCV001384966.8), dbSNP rs1232229112, ClinGen allele CA381030421.

ClinVar aggregate classification (germline): Uncertain significance (1 of 4 stars; one submission).

Conditions:
Neuropathy, hereditary sensory, type 1F. Also called: Hereditary sensory neuropathy type IF; HSN IF. Identifiers: Orphanet 36386, MedGen C3810194, MONDO:0014286, OMIM 615632.

Allele frequency attached by ClinVar (database versions not stated): gnomAD exomes below 0.00001; gnomAD 0.00001.

Submission:

Labcorp Genetics (formerly Invitae), Labcorp
Classification: Uncertain significance for Neuropathy, hereditary sensory, type 1F. Last evaluated: 2024-10-24. Review status: criteria provided, single submitter. Criteria: Invitae Variant Classification Sherloc (09022015). Collection method: clinical testing. Allele origin: germline.
Comment: This sequence change replaces asparagine, which is neutral and polar, with serine, which is neutral and polar, at codon 94 of the ATL3 protein (p.Asn94Ser). This variant is present in population databases (no rsID available, gnomAD 0.01%). This variant has not been reported in the literature in individuals affected with ATL3-related conditions. ClinVar contains an entry for this variant (Variation ID: 1384966). An algorithm developed to predict the effect of missense changes on protein structure and function outputs the following: PolyPhen-2: "Benign". The serine amino acid residue is found in multiple mammalian species, which suggests that this missense change does not adversely affect protein function. In summary, the available evidence is currently insufficient to determine the role of this variant in disease. Therefore, it has been classified as a Variant of Uncertain Significance.